The following is an entry in ClinVar:

NM_018646.6(TRPV6):c.1301T>C (p.Ile434Thr)

Gene: TRPV6 (transient receptor potential cation channel subfamily V member 6; minus strand). Cytogenetic location: 7q34.
Variant type: single nucleotide variant.
Coding change: c.1301T>C on transcript NM_018646.6 (MANE Select); coding-DNA position 1301, T replaced by C.
Protein change: p.Ile434Thr; replaces isoleucine 434 with threonine.
Molecular consequence: missense variant.
Genome position (GRCh38, 1-based): chr7:142,875,106, A>G on the plus strand (T>C on the coding strand, the complement: TRPV6 is on the minus strand). VCF-style: chr7-142875106-A-G. GRCh37 (hg19) VCF-style: chr7-142572859-A-G.
Other names: short protein forms I434T.
Identifiers: ClinVar variation 3462365 (VCV003462365.3).
Genomic context (GRCh38, chr7:142,875,106, plus strand): 5'-ACAGCCTCACCCAGAGTCCATCCACACCTCACCTCTACCAGCAGGATGATGATAGCCCCA[A>G]TGACAGTCACCAGCTCCCCGACCAGCCGGATATCGTCCTTAGGGGTCATGTAGGCTTCCT-3'
Protein context (NP_061116.5, residues 424-444): IRLVGELVTV[Ile434Thr]GAIIILLVEV

ClinVar aggregate classification (germline): Uncertain significance. Review status: criteria provided, multiple submitters, no conflicts (2 of 4 stars). 2 submissions from 2 submitters: Uncertain significance (2). Last evaluated 2025-07-27.

Conditions:
Inborn genetic diseases. Identifiers: MedGen C0950123, MeSH D030342.

Submissions (2):

Labcorp Genetics (formerly Invitae), Labcorp
Classification: Uncertain significance. Last evaluated: 2025-07-27. Review status: criteria provided, single submitter. Criteria: Invitae Variant Classification Sherloc (09022015). Collection method: clinical testing. Allele origin: germline.
Comment: This sequence change replaces isoleucine, which is neutral and non-polar, with threonine, which is neutral and polar, at codon 434 of the TRPV6 protein (p.Ile434Thr). This variant is present in population databases (rs148077292, gnomAD 0.01%). This variant has not been reported in the literature in individuals affected with TRPV6-related conditions. ClinVar contains an entry for this variant (Variation ID: 3462365). Experimental studies and prediction algorithms are not available or were not evaluated, and the functional significance of this variant is currently unknown. In summary, the available evidence is currently insufficient to determine the role of this variant in disease. Therefore, it has been classified as a Variant of Uncertain Significance.

Ambry Genetics
Classification: Uncertain significance for Inborn genetic diseases. Last evaluated: 2024-11-26. Review status: criteria provided, single submitter. Criteria: Ambry Variant Classification Scheme 2023. Collection method: clinical testing. Allele origin: germline.